The following is an entry in ClinVar:

NM_004356.4(CD81):c.444G>T (p.Lys148Asn)

Gene: CD81 (CD81 molecule; plus strand). Cytogenetic location: 11p15.5.
Variant type: single nucleotide variant.
Coding change: c.444G>T on transcript NM_004356.4 (MANE Select); coding-DNA position 444, G replaced by T.
Protein change: p.Lys148Asn; replaces lysine 148 with asparagine.
Molecular consequence: missense variant.
Genome position (GRCh38, 1-based): chr11:2,395,505, G>T. VCF-style: chr11-2395505-G-T. GRCh37 (hg19) VCF-style: chr11-2416735-G-T.
Other names: c.231G>T, p.Lys77Asn (NM_001297649.2, NM_001425129.1, NM_001425130.1 and 4 more transcripts); c.567G>T, p.Lys189Asn (NM_001425135.1); c.444G>T, p.Lys148Asn (NM_001425137.1); short protein forms K148N, K189N, K77N.
Identifiers: ClinVar variation 2791699 (VCV002791699.3), dbSNP rs2496537098, ClinGen allele CA379124555.

ClinVar aggregate classification (germline): Uncertain significance (1 of 4 stars; one submission).

Allele frequency attached by ClinVar (database versions not stated): gnomAD exomes below 0.00001.
gnomAD v4.1: 5 of 1,612,546 alleles (0.00031%); highest among the groups gnomAD compares: Non-Finnish European, 0.00042%; no homozygotes.

Submission:

Labcorp Genetics (formerly Invitae), Labcorp
Classification: Uncertain significance. Last evaluated: 2023-03-21. Review status: criteria provided, single submitter. Criteria: Invitae Variant Classification Sherloc (09022015). Collection method: clinical testing. Allele origin: germline.
Comment: In summary, the available evidence is currently insufficient to determine the role of this variant in disease. Therefore, it has been classified as a Variant of Uncertain Significance. Algorithms developed to predict the effect of sequence changes on RNA splicing suggest that this variant may create or strengthen a splice site. An algorithm developed to predict the effect of missense changes on protein structure and function (PolyPhen-2) suggests that this variant is likely to be disruptive. This variant has not been reported in the literature in individuals affected with CD81-related conditions. This variant is not present in population databases (gnomAD no frequency). This sequence change replaces lysine, which is basic and polar, with asparagine, which is neutral and polar, at codon 148 of the CD81 protein (p.Lys148Asn).